The following is an entry in ClinVar:

ClinVar aggregate classification (germline): Uncertain significance. Review status: criteria provided, multiple submitters, no conflicts (2 of 4 stars). 2 submissions from 2 submitters: Uncertain significance (2). Last evaluated 2024-12-08.

Conditions:
Baller-Gerold syndrome (BGS). Also called: CRANIOSYNOSTOSIS WITH RADIAL DEFECTS. Identifiers: Orphanet 1225, MedGen C0265308, MONDO:0009039, OMIM 218600.
Inborn genetic diseases. Identifiers: MedGen C0950123, MeSH D030342.

Submissions (2):

Ambry Genetics
Classification: Uncertain significance for Inborn genetic diseases. Last evaluated: 2024-12-08. Review status: criteria provided, single submitter. Criteria: Ambry Variant Classification Scheme 2023. Collection method: clinical testing. Allele origin: germline.
Comment: The p.P160S variant (also known as c.478C>T), located in coding exon 5 of the RECQL4 gene, results from a C to T substitution at nucleotide position 478. The proline at codon 160 is replaced by serine, an amino acid with similar properties. This amino acid position is conserved. In addition, this alteration is predicted to be tolerated by in silico analysis. Based on the available evidence, the clinical significance of this variant remains unclear.

Labcorp Genetics (formerly Invitae), Labcorp
Classification: Uncertain significance for Baller-Gerold syndrome. Last evaluated: 2017-08-16. Review status: criteria provided, single submitter. Criteria: Invitae Variant Classification Sherloc (09022015). Collection method: clinical testing. Allele origin: germline.
Comment: This sequence change replaces proline with serine at codon 160 of the RECQL4 protein (p.Pro160Ser). The valine residue is moderately conserved and there is a moderate physicochemical difference between proline and serine. This variant is not present in population databases (ExAC no frequency). This variant has not been reported in the literature in individuals with RECQL4-related disease. Algorithms developed to predict the effect of missense changes on protein structure and function output the following: SIFT: "Tolerated"; PolyPhen-2: "Benign"; Align-GVGD: "C0". The serine amino acid residue is found in multiple mammalian species, suggesting that this missense change does not adversely affect protein function. These predictions have not been confirmed by published functional studies and their clinical significance is uncertain. In summary, the available evidence is currently insufficient to determine the role of this variant in disease. Therefore, it has been classified as a Variant of Uncertain Significance.

NM_004260.4(RECQL4):c.478C>T (p.Pro160Ser)

Gene: RECQL4 (RecQ like helicase 4; minus strand). Cytogenetic location: 8q24.3.
Variant type: single nucleotide variant.
Coding change: c.478C>T on transcript NM_004260.4 (MANE Select); coding-DNA position 478, C replaced by T.
Protein change: p.Pro160Ser; replaces proline 160 with serine.
Molecular consequence: missense variant.
Genome position (GRCh38, 1-based): chr8:144,516,641, G>A on the plus strand (C>T on the coding strand, the complement: RECQL4 is on the minus strand). VCF-style: chr8-144516641-G-A. GRCh37 (hg19) VCF-style: chr8-145742025-G-A.
Other names: short protein forms P160S.
Identifiers: ClinVar variation 528973 (VCV000528973.2), dbSNP rs758124770, ClinGen allele CA372691320.
Genomic context (GRCh38, chr8:144,516,641, plus strand): 5'-TCAGGGATGCCTGCAGATGCTGGAGCCGGCCTGGCCTTGGCTGGGGCTCAGGGAGCTGTG[G>A]AGGCTCATCACTGACTTTTTCTGCAAAGGAGGGGACAGGCCCTGTACCTGGGGGCTTTGG-3'
Protein context (NP_004251.4, residues 150-170): SFAEKVSDEP[Pro160Ser]QLPEPQPRPG